The following is an entry in ClinVar:

NM_001365536.1(SCN9A):c.4496G>T (p.Arg1499Leu)

Genes: SCN9A (sodium voltage-gated channel alpha subunit 9; minus strand), SCN1A-AS1 (SCN1A and SCN9A antisense RNA 1; plus strand). Cytogenetic location: 2q24.3.
Variant type: single nucleotide variant.
Coding change: c.4496G>T on transcript NM_001365536.1 (MANE Select); coding-DNA position 4496, G replaced by T.
Protein change: p.Arg1499Leu; replaces arginine 1499 with leucine.
Molecular consequence: missense variant.
Genome position (GRCh38, 1-based): chr2:166,204,367, C>A on the plus strand (G>T on the coding strand, the complement: SCN9A is on the minus strand). VCF-style: chr2-166204367-C-A. GRCh37 (hg19) VCF-style: chr2-167060877-C-A.
Other names: c.4463G>T, p.Arg1488Leu (NM_002977.4); short protein forms R1488L, R1499L.
Identifiers: ClinVar variation 2104180 (VCV002104180.4), dbSNP rs372320353, ClinGen allele CA349058128.

ClinVar aggregate classification (germline): Uncertain significance (1 of 4 stars; one submission).

Conditions:
Neuropathy, hereditary sensory and autonomic, type 2A (HSAN2A). Also called: WNK1-Related HSAN2 (HSAN2A); MORVAN DISEASE; HSAN IIA; NEUROPATHY, CONGENITAL SENSORY; NEUROPATHY, HEREDITARY SENSORY RADICULAR, AUTOSOMAL RECESSIVE; NEUROPATHY, HEREDITARY SENSORY, TYPE IIA. Identifiers: Orphanet 970, MedGen C2752089, MONDO:0024309, OMIM 201300.
Generalized epilepsy with febrile seizures plus, type 7 (GEFSP7). Also called: GEFS+, TYPE 7. Identifiers: Orphanet 36387, MedGen C2751778, MONDO:0013470, OMIM 613863.

gnomAD v4.1: 1 of 1,605,982 alleles (0.000062%); highest among the groups gnomAD compares: South Asian, 0.0011%; no homozygotes.

Submission:

Labcorp Genetics (formerly Invitae), Labcorp
Classification: Uncertain significance for Neuropathy, hereditary sensory and autonomic, type 2A; Generalized epilepsy with febrile seizures plus, type 7. Last evaluated: 2022-11-15. Review status: criteria provided, single submitter. Criteria: Invitae Variant Classification Sherloc (09022015). Collection method: clinical testing. Allele origin: germline.
Comment: This sequence change replaces arginine, which is basic and polar, with leucine, which is neutral and non-polar, at codon 1488 of the SCN9A protein (p.Arg1488Leu). This variant is not present in population databases (gnomAD no frequency). In summary, the available evidence is currently insufficient to determine the role of this variant in disease. Therefore, it has been classified as a Variant of Uncertain Significance. Algorithms developed to predict the effect of missense changes on protein structure and function (SIFT, PolyPhen-2, Align-GVGD) all suggest that this variant is likely to be disruptive. This variant has not been reported in the literature in individuals affected with SCN9A-related conditions.